The following is an entry in ClinVar:

ClinVar aggregate classification (germline): Uncertain significance. Review status: criteria provided, multiple submitters, no conflicts (2 of 4 stars). 2 submissions from 2 submitters: Uncertain significance (2). Last evaluated 2026-02-16.

Conditions:
Hereditary cancer-predisposing syndrome. Also called: Tumor predisposition; Neoplastic Syndromes, Hereditary; Hereditary Cancer Syndrome; Hereditary neoplastic syndrome. Identifiers: Orphanet 140162, MedGen C0027672, MeSH D009386, MONDO:0015356.

Allele frequency attached by ClinVar (database versions not stated): gnomAD exomes below 0.00001; gnomAD 0.00001.
gnomAD v4.1: 2 of 1,611,946 alleles (0.00012%); highest among the groups gnomAD compares: Admixed American, 0.0017%; no homozygotes.

Submissions (2):

Ambry Genetics
Classification: Uncertain significance for Hereditary cancer-predisposing syndrome. Last evaluated: 2026-02-16. Review status: criteria provided, single submitter. Criteria: Ambry Variant Classification Scheme 2023. Collection method: clinical testing. Allele origin: germline.
Comment: The p.L1272F variant (also known as c.3814C>T), located in coding exon 31 of the POLE gene, results from a C to T substitution at nucleotide position 3814. The leucine at codon 1272 is replaced by phenylalanine, an amino acid with highly similar properties. This amino acid position is conserved. In addition, this alteration is predicted to be tolerated by in silico analysis. Based on the available evidence, the clinical significance of this variant remains unclear.

Labcorp Genetics (formerly Invitae), Labcorp
Classification: Uncertain significance. Last evaluated: 2022-12-06. Review status: criteria provided, single submitter. Criteria: Invitae Variant Classification Sherloc (09022015). Collection method: clinical testing. Allele origin: germline.
Comment: In summary, the available evidence is currently insufficient to determine the role of this variant in disease. Therefore, it has been classified as a Variant of Uncertain Significance. Advanced modeling of protein sequence and biophysical properties (such as structural, functional, and spatial information, amino acid conservation, physicochemical variation, residue mobility, and thermodynamic stability) has been performed at Invitae for this missense variant, however the output from this modeling did not meet the statistical confidence thresholds required to predict the impact of this variant on POLE protein function. This variant has not been reported in the literature in individuals affected with POLE-related conditions. This variant is not present in population databases (gnomAD no frequency). This sequence change replaces leucine, which is neutral and non-polar, with phenylalanine, which is neutral and non-polar, at codon 1272 of the POLE protein (p.Leu1272Phe).

NM_006231.4(POLE):c.3814C>T (p.Leu1272Phe)

Gene: POLE (DNA polymerase epsilon, catalytic subunit; minus strand). Cytogenetic location: 12q24.33.
Variant type: single nucleotide variant.
Coding change: c.3814C>T on transcript NM_006231.4 (MANE Select); coding-DNA position 3814, C replaced by T.
Protein change: p.Leu1272Phe; replaces leucine 1272 with phenylalanine.
Molecular consequence: missense variant.
Genome position (GRCh38, 1-based): chr12:132,649,497, G>A on the plus strand (C>T on the coding strand, the complement: POLE is on the minus strand). VCF-style: chr12-132649497-G-A. GRCh37 (hg19) VCF-style: chr12-133226083-G-A.
Other names: c.3814C>T (NM_006231.2); short protein forms L1272F.
Identifiers: ClinVar variation 2912268 (VCV002912268.4), dbSNP rs2042370072, ClinGen allele CA387385630.
Genomic context (GRCh38, chr12:132,649,497, plus strand): 5'-TCTTCCTGCGGGCGAGGCGCTGCCGGGCCTGCAGCTGCCACTTCTTCTTGTGGAACCGGA[G>A]CCAGACAAGCCATTCCTCCTGGGATGGATGGTGAGCACAGCCAGTGTGCAAGTGGTGAGA-3'
Protein context (NP_006222.2, residues 1262-1282): GTSQEEWLVW[Leu1272Phe]RFHKKKWQLQ